The following is an entry in ClinVar:

NM_001145358.2(SIN3A):c.3702C>T (p.Leu1234=)

Gene: SIN3A (SIN3 transcription regulator family member A; minus strand). Cytogenetic location: 15q24.2.
Variant type: single nucleotide variant.
Coding change: c.3702C>T on transcript NM_001145358.2 (MANE Select); coding-DNA position 3702, C replaced by T.
Protein change: p.Leu1234=; no amino-acid change (leucine 1234 retained).
Molecular consequence: synonymous variant.
Genome position (GRCh38, 1-based): chr15:75,372,099, G>A on the plus strand (C>T on the coding strand, the complement: SIN3A is on the minus strand). VCF-style: chr15-75372099-G-A. GRCh37 (hg19) VCF-style: chr15-75664440-G-A.
Other names: c.3702C>T, p.Leu1234= (NM_001145357.2, NM_015477.3).
Identifiers: ClinVar variation 2645556 (VCV002645556.24), dbSNP rs2072761837, ClinGen allele CA491496991.

ClinVar aggregate classification (germline): Likely benign (1 of 4 stars; one submission).

Submission:

CeGaT Center for Human Genetics Tuebingen
Classification: Likely benign. Last evaluated: 2022-05-01. Review status: criteria provided, single submitter. Criteria: CeGaT Center For Human Genetics Tuebingen Variant Classification Criteria Version 2. Collection method: clinical testing. Allele origin: germline. Affected: yes. Observed: 1 variant allele.
Comment: SIN3A: PM2:Supporting, BP4, BP7